The following is an entry in ClinVar:

ClinVar aggregate classification (germline): Uncertain significance. Review status: criteria provided, multiple submitters, no conflicts (2 of 4 stars). 2 submissions from 2 submitters: Uncertain significance (2). Last evaluated 2023-12-06.

Conditions:
Alstrom syndrome (ALMS). Identifiers: Orphanet 64, MedGen C0268425, MONDO:0008763, OMIM 203800.
Cardiovascular phenotype. Identifiers: MedGen CN230736.

gnomAD v4.1: 2 of 1,613,962 alleles (0.00012%); highest among the groups gnomAD compares: African/African-American, 0.0013%; no homozygotes.

Submissions (2):

Labcorp Genetics (formerly Invitae), Labcorp
Classification: Uncertain significance for Alstrom syndrome. Last evaluated: 2023-12-06. Review status: criteria provided, single submitter. Criteria: Invitae Variant Classification Sherloc (09022015). Collection method: clinical testing. Allele origin: germline.
Comment: This sequence change replaces arginine with glycine at codon 3226 of the ALMS1 protein (p.Arg3226Gly). The arginine residue is moderately conserved and there is a moderate physicochemical difference between arginine and glycine. This variant is not present in population databases (gnomAD no frequency). This variant has not been reported in the literature in individuals affected with ALMS1-related conditions. ClinVar contains an entry for this variant (Variation ID: 1414346). Experimental studies and prediction algorithms are not available or were not evaluated, and the functional significance of this variant is currently unknown. In summary, the available evidence is currently insufficient to determine the role of this variant in disease. Therefore, it has been classified as a Variant of Uncertain Significance.

Ambry Genetics
Classification: Uncertain significance for Cardiovascular phenotype. Last evaluated: 2021-05-20. Review status: criteria provided, single submitter. Criteria: Ambry Variant Classification Scheme 2023. Collection method: clinical testing. Allele origin: germline.

NM_001378454.1(ALMS1):c.9673C>G (p.Arg3225Gly)

Gene: ALMS1 (ALMS1 centrosome and basal body associated protein; plus strand). Cytogenetic location: 2p13.1.
Variant type: single nucleotide variant.
Coding change: c.9673C>G on transcript NM_001378454.1 (MANE Select); coding-DNA position 9673, C replaced by G.
Protein change: p.Arg3225Gly; replaces arginine 3225 with glycine.
Molecular consequence: missense variant.
Genome position (GRCh38, 1-based): chr2:73,519,908, C>G. VCF-style: chr2-73519908-C-G. GRCh37 (hg19) VCF-style: chr2-73747035-C-G.
Other names: c.9676C>G, p.Arg3226Gly (NM_015120.4); short protein forms R3226G, R3225G.
Identifiers: ClinVar variation 1414346 (VCV001414346.7), dbSNP rs200215551, ClinGen allele CA50397868.